The following is an entry in ClinVar:

ClinVar aggregate classification (germline): Likely benign. Review status: criteria provided, single submitter (1 of 4 stars). 4 submissions from 4 submitters: Likely benign (1). 3 of the submissions do not count toward it. Last evaluated 2024-03-18.

Conditions:
COL4A6-related disorder. Also called: COL4A6-related condition.

Allele frequency attached by ClinVar (database versions not stated): gnomAD 0.00001 and 0.00012; TOPMed 0.00003; ExAC 0.00023; 1000 Genomes Project 0.00026; 1000 Genomes Project 30x 0.00042.
gnomAD v4.1: 185 of 1,207,241 alleles (0.015%); highest among the groups gnomAD compares: South Asian, 0.29%; no homozygotes.

Submissions (4):

Labcorp Genetics (formerly Invitae), Labcorp
Classification: Likely benign. Last evaluated: 2024-03-18. Review status: criteria provided, single submitter. Criteria: Invitae Variant Classification Sherloc (09022015). Collection method: clinical testing. Allele origin: germline.

PreventionGenetics, part of Exact Sciences
Classification: Likely benign for COL4A6-related condition. Last evaluated: 2020-06-05. Review status: no assertion criteria provided. Collection method: clinical testing. Allele origin: germline. Not counted in ClinVar's aggregate classification.
Comment: This variant is classified as likely benign based on ACMG/AMP sequence variant interpretation guidelines (Richards et al. 2015 PMID: 25741868, with internal and published modifications).

Clinical Genetics DNA and cytogenetics Diagnostics Lab, Erasmus MC, Erasmus Medical Center
Classification: Uncertain significance. Review status: no assertion criteria provided. Collection method: clinical testing. Allele origin: germline. Affected: yes. Study: VKGL Data-share Consensus. Not counted in ClinVar's aggregate classification.

Laboratory of Diagnostic Genome Analysis, Leiden University Medical Center (LUMC)
Classification: Uncertain significance. Review status: no assertion criteria provided. Collection method: clinical testing. Allele origin: germline. Affected: yes. Study: VKGL Data-share Consensus. Not counted in ClinVar's aggregate classification.

NM_033641.4(COL4A6):c.2164C>T (p.Pro722Ser)

Gene: COL4A6 (collagen type IV alpha 6 chain; minus strand). Cytogenetic location: Xq22.3.
Variant type: single nucleotide variant.
Coding change: c.2164C>T on transcript NM_033641.4 (MANE Select); coding-DNA position 2164, C replaced by T.
Protein change: p.Pro722Ser; replaces proline 722 with serine.
Molecular consequence: missense variant.
Genome position (GRCh38, 1-based): chrX:108,179,406, G>A on the plus strand (C>T on the coding strand, the complement: COL4A6 is on the minus strand). VCF-style: chrX-108179406-G-A. GRCh37 (hg19) VCF-style: chrX-107422636-G-A.
Other names: c.2215C>T, p.Pro739Ser (NM_001287758.2); c.2164C>T, p.Pro722Ser (NM_001287759.2, NM_001287760.2); c.2167C>T, p.Pro723Ser (NM_001847.4); c.2167C>T (NM_001847.3); short protein forms P722S, P723S, P739S.
Identifiers: ClinVar variation 1206273 (VCV001206273.6), dbSNP rs748867663, ClinGen allele CA10487671.